The following is an entry in ClinVar:

ClinVar aggregate classification (germline): Uncertain significance. Review status: criteria provided, multiple submitters, no conflicts (2 of 4 stars). 4 submissions from 4 submitters: Uncertain significance (4). Last evaluated 2026-08-05.

Conditions:
BBS2-related disorder. Also called: BBS2-related disorders; BBS2-related condition. Identifiers: MedGen CN239228.
Inborn genetic diseases. Identifiers: MedGen C0950123, MeSH D030342.
Bardet-Biedl syndrome (BBS). Identifiers: Orphanet 110, MedGen C0752166, MONDO:0015229.

Allele frequency attached by ClinVar (database versions not stated): ExAC 0.00001; gnomAD exomes 0.00002 and 0.00003.
gnomAD v4.1: 49 of 1,613,824 alleles (0.003%); highest among the groups gnomAD compares: Non-Finnish European, 0.0036%; no homozygotes.

Submissions (4):

PreventionGenetics, part of Exact Sciences
Classification: Uncertain significance for BBS2-related condition. Last evaluated: 2026-08-05. Review status: criteria provided, single submitter. Criteria: ACMG Guidelines, 2015. Collection method: clinical testing. Allele origin: germline.
Comment: The BBS2 c.1616G>A variant is predicted to result in the amino acid substitution p.Arg539Gln. To our knowledge, this variant has not been reported in the literature. This variant is reported in 0.0046% of alleles in individuals of European (Non-Finnish) descent in gnomAD. At this time, the clinical significance of this variant is uncertain due to the absence of conclusive functional and genetic evidence.

Ambry Genetics
Classification: Uncertain significance for Inborn genetic diseases. Last evaluated: 2025-05-22. Review status: criteria provided, single submitter. Criteria: Ambry Variant Classification Scheme 2023. Collection method: clinical testing. Allele origin: germline.

Blueprint Genetics
Classification: Uncertain significance. Last evaluated: 2023-11-14. Review status: criteria provided, single submitter. Criteria: ACMG Guidelines, 2015. Collection method: clinical testing. Allele origin: germline.

Labcorp Genetics (formerly Invitae), Labcorp
Classification: Uncertain significance for Bardet-Biedl syndrome. Last evaluated: 2022-10-17. Review status: criteria provided, single submitter. Criteria: Invitae Variant Classification Sherloc (09022015). Collection method: clinical testing. Allele origin: germline.
Comment: This sequence change replaces arginine, which is basic and polar, with glutamine, which is neutral and polar, at codon 539 of the BBS2 protein (p.Arg539Gln). This variant is present in population databases (rs753398421, gnomAD 0.005%). This variant has not been reported in the literature in individuals affected with BBS2-related conditions. Advanced modeling of protein sequence and biophysical properties (such as structural, functional, and spatial information, amino acid conservation, physicochemical variation, residue mobility, and thermodynamic stability) performed at Invitae indicates that this missense variant is expected to disrupt BBS2 protein function. Algorithms developed to predict the effect of sequence changes on RNA splicing suggest that this variant may disrupt the consensus splice site. In summary, the available evidence is currently insufficient to determine the role of this variant in disease. Therefore, it has been classified as a Variant of Uncertain Significance.

NM_031885.5(BBS2):c.1616G>A (p.Arg539Gln)

Gene: BBS2 (Bardet-Biedl syndrome 2; minus strand). Cytogenetic location: 16q13.
Variant type: single nucleotide variant.
Coding change: c.1616G>A on transcript NM_031885.5 (MANE Select); coding-DNA position 1616, G replaced by A.
Protein change: p.Arg539Gln; replaces arginine 539 with glutamine.
Molecular consequence: missense variant. On other transcripts: non-coding transcript variant (5).
Genome position (GRCh38, 1-based): chr16:56,498,480, C>T on the plus strand (G>A on the coding strand, the complement: BBS2 is on the minus strand). VCF-style: chr16-56498480-C-T. GRCh37 (hg19) VCF-style: chr16-56532392-C-T.
Other names: c.1616G>A (NM_031885.3); c.1616G>A, p.Arg539Gln (NM_001377456.1); short protein forms R539Q.
Identifiers: ClinVar variation 1449376 (VCV001449376.8), dbSNP rs753398421, ClinGen allele CA8065663.
Genomic context (GRCh38, chr16:56,498,480, plus strand): 5'-GTGATATTAAACATTACCTCTCCACTAAGTTTTATTTTTATATGCAGGTGGCCGCCATTC[C>T]GTAAAGATGTGAAACACACTTGAAATGGAGCATTCTGAATGTGAGTGTCTTCTGGTAACA-3'
Protein context (NP_114091.4, residues 529-549): APFQVCFTSL[Arg539Gln]NGGHLHIKIK